The following is an entry in ClinVar:

ClinVar aggregate classification (germline): Uncertain significance. Review status: criteria provided, multiple submitters, no conflicts (2 of 4 stars). 3 submissions from 3 submitters: Uncertain significance (3). Last evaluated 2025-10-29.

Conditions:
Inborn genetic diseases. Identifiers: MedGen C0950123, MeSH D030342.
Fanconi anemia (FA). Also called: Fanconi's anemia. Identifiers: Orphanet 84, MedGen C0015625, MeSH D005199, MONDO:0019391.

Allele frequency attached by ClinVar (database versions not stated): gnomAD 0.00001 and 0.00002; TOPMed 0.00002; gnomAD exomes 0.00003 and 0.00006.
gnomAD v4.1: 91 of 1,613,930 alleles (0.0056%); highest among the groups gnomAD compares: Non-Finnish European, 0.0071%; no homozygotes.

Submissions (3):

Ambry Genetics
Classification: Uncertain significance for Inborn genetic diseases. Last evaluated: 2025-10-29. Review status: criteria provided, single submitter. Criteria: Ambry Variant Classification Scheme 2023. Collection method: clinical testing. Allele origin: germline.

Labcorp Genetics (formerly Invitae), Labcorp
Classification: Uncertain significance for Fanconi anemia. Last evaluated: 2025-06-09. Review status: criteria provided, single submitter. Criteria: Invitae Variant Classification Sherloc (09022015). Collection method: clinical testing. Allele origin: germline.
Comment: This sequence change replaces proline, which is neutral and non-polar, with serine, which is neutral and polar, at codon 805 of the FANCA protein (p.Pro805Ser). This variant is present in population databases (no rsID available, gnomAD 0.006%). This variant has not been reported in the literature in individuals affected with FANCA-related conditions. ClinVar contains an entry for this variant (Variation ID: 658367). Invitae Evidence Modeling of protein sequence and biophysical properties (such as structural, functional, and spatial information, amino acid conservation, physicochemical variation, residue mobility, and thermodynamic stability) indicates that this missense variant is not expected to disrupt FANCA protein function with a negative predictive value of 95%. In summary, the available evidence is currently insufficient to determine the role of this variant in disease. Therefore, it has been classified as a Variant of Uncertain Significance.

Quest Diagnostics Nichols Institute San Juan Capistrano
Classification: Uncertain significance. Last evaluated: 2024-04-23. Review status: criteria provided, single submitter. Criteria: Quest Diagnostics criteria. Collection method: clinical testing. Allele origin: unknown.
Comment: The FANCA c.2413C>T (p.Pro805Ser) variant has not been reported in individuals with FANCA-related conditions in the published literature. The frequency of this variant in the general population, 0.000039 (5/128918 chromosomes (Genome Aggregation Database)), is uninformative in the assessment of its pathogenicity. Analysis of this variant using bioinformatics tools for the prediction of the effect of amino acid changes on protein structure and function yielded predictions that this variant is benign. Based on the available information, we are unable to determine the clinical significance of this variant.

NM_000135.4(FANCA):c.2413C>T (p.Pro805Ser)

Gene: FANCA (FA complementation group A; minus strand). Cytogenetic location: 16q24.3.
Variant type: single nucleotide variant.
Coding change: c.2413C>T on transcript NM_000135.4 (MANE Select); coding-DNA position 2413, C replaced by T.
Protein change: p.Pro805Ser; replaces proline 805 with serine.
Molecular consequence: missense variant.
Genome position (GRCh38, 1-based): chr16:89,769,928, G>A on the plus strand (C>T on the coding strand, the complement: FANCA is on the minus strand). VCF-style: chr16-89769928-G-A. GRCh37 (hg19) VCF-style: chr16-89836336-G-A.
Other names: c.2413C>T (NM_000135.3, LRG_495t1); c.2413C>T, p.Pro805Ser (NM_001286167.3); short protein forms P805S.
Identifiers: ClinVar variation 658367 (VCV000658367.9), dbSNP rs1359572434, ClinGen allele CA397443666.